The following is an entry in ClinVar:

ClinVar aggregate classification (germline): Uncertain significance. Review status: criteria provided, multiple submitters, no conflicts (2 of 4 stars). 2 submissions from 2 submitters: Uncertain significance (2). Last evaluated 2026-01-26.

Conditions:
Hereditary cancer-predisposing syndrome. Also called: Neoplastic Syndromes, Hereditary; Tumor predisposition; Hereditary Cancer Syndrome; Hereditary neoplastic syndrome. Identifiers: Orphanet 140162, MedGen C0027672, MeSH D009386, MONDO:0015356.

gnomAD v4.1: 3 of 1,614,176 alleles (0.00019%); highest among the groups gnomAD compares: Non-Finnish European, 0.00025%; no homozygotes.

Submissions (2):

Labcorp Genetics (formerly Invitae), Labcorp
Classification: Uncertain significance for Hereditary cancer-predisposing syndrome. Last evaluated: 2026-01-26. Review status: criteria provided, single submitter. Criteria: Invitae Variant Classification Sherloc (09022015). Collection method: clinical testing. Allele origin: germline.
Comment: This sequence change replaces proline, which is neutral and non-polar, with serine, which is neutral and polar, at codon 37 of the RAD50 protein (p.Pro37Ser). This variant is not present in population databases (gnomAD no frequency). This variant has not been reported in the literature in individuals affected with RAD50-related conditions. ClinVar contains an entry for this variant (Variation ID: 233967). Invitae Evidence Modeling of protein sequence and biophysical properties (such as structural, functional, and spatial information, amino acid conservation, physicochemical variation, residue mobility, and thermodynamic stability) indicates that this missense variant is not expected to disrupt RAD50 protein function with a negative predictive value of 80%. In summary, the available evidence is currently insufficient to determine the role of this variant in disease. Therefore, it has been classified as a Variant of Uncertain Significance.

Ambry Genetics
Classification: Uncertain significance for Hereditary cancer-predisposing syndrome. Last evaluated: 2024-12-25. Review status: criteria provided, single submitter. Criteria: Ambry Variant Classification Scheme 2023. Collection method: clinical testing. Allele origin: germline.
Comment: The p.P37S variant (also known as c.109C>T), located in coding exon 1 of the RAD50 gene, results from a C to T substitution at nucleotide position 109. The proline at codon 37 is replaced by serine, an amino acid with similar properties. This amino acid position is highly conserved in available vertebrate species. In addition, this alteration is predicted to be possibly damaging and deleterious by PolyPhen and SIFT in silico analyses, respectively. Since supporting evidence is limited at this time, the clinical significance of this alteration remains unclear.

NM_005732.4(RAD50):c.109C>T (p.Pro37Ser)

Gene: RAD50 (RAD50 double strand break repair protein; plus strand). Cytogenetic location: 5q31.1.
Variant type: single nucleotide variant.
Coding change: c.109C>T on transcript NM_005732.4 (MANE Select); coding-DNA position 109, C replaced by T.
Protein change: p.Pro37Ser; replaces proline 37 with serine.
Molecular consequence: missense variant.
Genome position (GRCh38, 1-based): chr5:132,557,433, C>T. VCF-style: chr5-132557433-C-T. GRCh37 (hg19) VCF-style: chr5-131893125-C-T.
Other names: short protein forms P37S.
Identifiers: ClinVar variation 233967 (VCV000233967.15), dbSNP rs876660763, ClinGen allele CA10578472.